The following is an entry in ClinVar:

NM_020975.6(RET):c.3341G>A (p.Ser1114Asn)

Gene: RET (ret proto-oncogene; plus strand). Cytogenetic location: 10q11.21.
Variant type: single nucleotide variant.
Coding change: c.3341G>A on transcript NM_020975.6 (MANE Select); coding-DNA position 3341, G replaced by A.
Protein change: p.Ser1114Asn; replaces serine 1114 with asparagine.
Molecular consequence: missense variant. On other transcripts: 3 prime UTR variant (18), intron variant (3).
Genome position (GRCh38, 1-based): chr10:43,128,265, G>A. VCF-style: chr10-43128265-G-A. GRCh37 (hg19) VCF-style: chr10-43623713-G-A.
Other names: c.*1511G>A (NM_001355216.2, NM_001406770.1, NM_001406772.1 and 15 more transcripts); c.3341G>A, p.Ser1114Asn (NM_001406743.1); c.2903G>A, p.Ser968Asn (NM_001406771.1); c.2615G>A, p.Ser872Asn (NM_001406775.1); c.2555G>A, p.Ser852Asn (NM_001406777.1); c.2444G>A, p.Ser815Asn (NM_001406779.1, NM_001406780.1); c.2315G>A, p.Ser772Asn (NM_001406783.1); c.2156G>A, p.Ser719Asn (NM_001406788.1, NM_001406789.1); and 10 more; short protein forms S1018N, S1069N, S1094N, S1114N, S852N, S1071N, S772N, S982N.
Identifiers: ClinVar variation 3313720 (VCV003313720.1).

ClinVar aggregate classification (germline): Uncertain significance (1 of 4 stars; one submission).

Conditions:
Hereditary cancer-predisposing syndrome. Also called: Neoplastic Syndromes, Hereditary; Tumor predisposition; Hereditary neoplastic syndrome; Hereditary Cancer Syndrome. Identifiers: Orphanet 140162, MedGen C0027672, MeSH D009386, MONDO:0015356.

Submission:

Ambry Genetics
Classification: Uncertain significance for Hereditary cancer-predisposing syndrome. Last evaluated: 2024-04-13. Review status: criteria provided, single submitter. Criteria: Ambry Variant Classification Scheme 2023. Collection method: clinical testing. Allele origin: germline.
Comment: The p.S1114N variant (also known as c.3341G>A), located in coding exon 20 of the RET gene, results from a G to A substitution at nucleotide position 3341. The serine at codon 1114 is replaced by asparagine, an amino acid with highly similar properties. This amino acid position is conserved. In addition, the in silico prediction for this alteration is inconclusive. Based on the available evidence, the clinical significance of this variant remains unclear.